The following is an entry in ClinVar:

NM_024120.5(NDUFAF5):c.220G>T (p.Glu74Ter)

Gene: NDUFAF5 (NADH:ubiquinone oxidoreductase complex assembly factor 5; plus strand). Cytogenetic location: 20p12.1.
Variant type: single nucleotide variant.
Coding change: c.220G>T on transcript NM_024120.5 (MANE Select); coding-DNA position 220, G replaced by T.
Protein change: p.Glu74Ter; replaces glutamic acid 74 with a stop codon.
Molecular consequence: nonsense. On other transcripts: 5 prime UTR variant (3), non-coding transcript variant (7).
Genome position (GRCh38, 1-based): chr20:13,785,288, G>T. VCF-style: chr20-13785288-G-T. GRCh37 (hg19) VCF-style: chr20-13765934-G-T.
Other names: c.220G>T, p.Glu74Ter (NM_001039375.3, NM_001352408.2); c.-148G>T (NM_001352403.2); c.-362G>T (NM_001352406.2); c.-476G>T (NM_001352407.2); short protein forms E74*.
Identifiers: ClinVar variation 2824264 (VCV002824264.3), dbSNP rs1170201571, ClinGen allele CA408282503.
Genomic context (GRCh38, chr20:13,785,288, plus strand): 5'-AAACAGAAGAACTGGGCAGCCCGGCAGCCCGAGCCGACCAAATTTGACTACCTGAAGGAG[G>T]AGGTGAGCCCGCGGGGCGGCGGGGCGGCGGGGCGGGCGACGCGGAGGCTTGTTTTCCTCT-3'

ClinVar aggregate classification (germline): Pathogenic (1 of 4 stars; one submission).

gnomAD v4.1: 1 of 1,604,956 alleles (0.000062%); no homozygotes.

Submission:

Labcorp Genetics (formerly Invitae), Labcorp
Classification: Pathogenic. Last evaluated: 2022-12-26. Review status: criteria provided, single submitter. Criteria: Invitae Variant Classification Sherloc (09022015). Collection method: clinical testing. Allele origin: germline.
Comment: For these reasons, this variant has been classified as Pathogenic. Algorithms developed to predict the effect of sequence changes on RNA splicing suggest that this variant may create or strengthen a splice site. This variant has not been reported in the literature in individuals affected with NDUFAF5-related conditions. This variant is not present in population databases (gnomAD no frequency). This sequence change creates a premature translational stop signal (p.Glu74*) in the NDUFAF5 gene. It is expected to result in an absent or disrupted protein product. Loss-of-function variants in NDUFAF5 are known to be pathogenic (PMID: 26275793, 30473481, 32918965).

Literature cited by the submitters: PubMed 26275793; PubMed 30473481; PubMed 32918965.